The following is an entry in ClinVar:

NM_000784.4(CYP27A1):c.446+2T>C

Gene: CYP27A1 (cytochrome P450 family 27 subfamily A member 1; plus strand). Cytogenetic location: 2q35.
Variant type: single nucleotide variant.
Coding change: c.446+2T>C on transcript NM_000784.4 (MANE Select); the canonical splice donor site of the intron after coding-DNA position 446, T replaced by C.
Molecular consequence: splice donor variant.
Genome position (GRCh38, 1-based): chr2:218,809,769, T>C. VCF-style: chr2-218809769-T-C. GRCh37 (hg19) VCF-style: chr2-219674492-T-C.
Identifiers: ClinVar variation 5006214 (VCV005006214.2).
Genomic context (GRCh38, chr2:218,809,769, plus strand): 5'-ATGGAGCTATGGAAGGAGCACCGGGACCAGCACGACCTGACCTATGGGCCGTTCACCACG[T>C]GAGCTGGGGCCTGAAGGGACTGGAACAGGGCCCCAGAGGGCCAGGGCGAAAGACAGTGGG-3'

ClinVar aggregate classification (germline): Likely pathogenic (1 of 4 stars; one submission).

Conditions:
Cholestanol storage disease (CTX). Also called: CEREBRAL CHOLESTERINOSIS; CTX: Cerebrotendinous xanthomatosis; Cerebrotendinous Xanthomatosis. Identifiers: Orphanet 909, MedGen C0238052, MONDO:0008948, OMIM 213700.

Submission:

Juno Genomics, Hangzhou Juno Genomics, Inc
Classification: Likely pathogenic for Cholestanol storage disease. Review status: criteria provided, single submitter. Criteria: ACMG Guidelines, 2015. Collection method: clinical testing. Allele origin: germline.
Comment: Null variant in a gene where loss of function (LOF) is a known mechanism of disease.;Absent from controls (or at extremely low frequency if recessive) in Genome Aggregation Database.